The following is an entry in ClinVar:

NM_020433.5(JPH2):c.943G>A (p.Glu315Lys)

Gene: JPH2 (junctophilin 2; minus strand). Cytogenetic location: 20q13.12.
Variant type: single nucleotide variant.
Coding change: c.943G>A on transcript NM_020433.5 (MANE Select); coding-DNA position 943, G replaced by A.
Protein change: p.Glu315Lys; replaces glutamic acid 315 with lysine.
Molecular consequence: missense variant.
Genome position (GRCh38, 1-based): chr20:44,159,844, C>T on the plus strand (G>A on the coding strand, the complement: JPH2 is on the minus strand). VCF-style: chr20-44159844-C-T. GRCh37 (hg19) VCF-style: chr20-42788484-C-T.
Other names: short protein forms E315K.
Identifiers: ClinVar variation 518534 (VCV000518534.8), dbSNP rs768672949, ClinGen allele CA9868784.

ClinVar aggregate classification (germline): Uncertain significance. Review status: criteria provided, multiple submitters, no conflicts (2 of 4 stars). 3 submissions from 3 submitters: Uncertain significance (2). 1 of the submissions does not count toward it. Last evaluated 2025-09-10.

Conditions:
Cardiovascular phenotype. Identifiers: MedGen CN230736.
JPH2-related disorder. Also called: JPH2-related condition.
Hypertrophic cardiomyopathy. Also called: HYPERTROPHIC MYOCARDIOPATHY. Identifiers: Orphanet 217569, MedGen C0007194, MeSH D002312, MONDO:0005045, HP:0001639.

Allele frequency attached by ClinVar (database versions not stated): gnomAD exomes 0.00001 and 0.00003; TOPMed 0.00002; ExAC 0.00003.
gnomAD v4.1: 13 of 1,613,536 alleles (0.00081%); highest among the groups gnomAD compares: Admixed American, 0.01%; no homozygotes.

Submissions (3):

Labcorp Genetics (formerly Invitae), Labcorp
Classification: Uncertain significance for Hypertrophic cardiomyopathy. Last evaluated: 2025-09-10. Review status: criteria provided, single submitter. Criteria: Invitae Variant Classification Sherloc (09022015). Collection method: clinical testing. Allele origin: germline.
Comment: This sequence change replaces glutamic acid, which is acidic and polar, with lysine, which is basic and polar, at codon 315 of the JPH2 protein (p.Glu315Lys). This variant is present in population databases (rs768672949, gnomAD 0.01%). This variant has not been reported in the literature in individuals affected with JPH2-related conditions. ClinVar contains an entry for this variant (Variation ID: 518534). An algorithm developed to predict the effect of missense changes on protein structure and function (PolyPhen-2) suggests that this variant is likely to be disruptive. In summary, the available evidence is currently insufficient to determine the role of this variant in disease. Therefore, it has been classified as a Variant of Uncertain Significance.

Ambry Genetics
Classification: Uncertain significance for Cardiovascular phenotype. Last evaluated: 2024-09-24. Review status: criteria provided, single submitter. Criteria: Ambry Variant Classification Scheme 2023. Collection method: clinical testing. Allele origin: germline.
Comment: The p.E315K variant (also known as c.943G>A), located in coding exon 2 of the JPH2 gene, results from a G to A substitution at nucleotide position 943. The glutamic acid at codon 315 is replaced by lysine, an amino acid with similar properties. This amino acid position is highly conserved in available vertebrate species. In addition, the in silico prediction for this alteration is inconclusive. Since supporting evidence is limited at this time, the clinical significance of this alteration remains unclear.

PreventionGenetics, part of Exact Sciences
Classification: Uncertain significance for JPH2-related condition. Last evaluated: 2024-04-10. Review status: no assertion criteria provided. Collection method: clinical testing. Allele origin: germline. Not counted in ClinVar's aggregate classification.
Comment: The JPH2 c.943G>A variant is predicted to result in the amino acid substitution p.Glu315Lys. To our knowledge, this variant has not been reported in the literature. This variant is reported in 0.012% of alleles in individuals of African descent in gnomAD. At this time, the clinical significance of this variant is uncertain due to the absence of conclusive functional and genetic evidence.